The following is an entry in ClinVar:

NM_006389.5(HYOU1):c.2182C>T (p.Leu728Phe)

Gene: HYOU1 (hypoxia up-regulated 1; minus strand). Cytogenetic location: 11q23.3.
Variant type: single nucleotide variant.
Coding change: c.2182C>T on transcript NM_006389.5 (MANE Select); coding-DNA position 2182, C replaced by T.
Protein change: p.Leu728Phe; replaces leucine 728 with phenylalanine.
Molecular consequence: missense variant.
Genome position (GRCh38, 1-based): chr11:119,048,547, G>A on the plus strand (C>T on the coding strand, the complement: HYOU1 is on the minus strand). VCF-style: chr11-119048547-G-A. GRCh37 (hg19) VCF-style: chr11-118919259-G-A.
Other names: c.2182C>T, p.Leu728Phe (NM_001130991.3, NM_001411041.1); short protein forms L728F.
Identifiers: ClinVar variation 4711909 (VCV004711909.1).

ClinVar aggregate classification (germline): Uncertain significance (1 of 4 stars; one submission).

gnomAD v4.1: 2 of 1,614,060 alleles (0.00012%); highest among the groups gnomAD compares: South Asian, 0.0011%; no homozygotes.

Submission:

Labcorp Genetics (formerly Invitae), Labcorp
Classification: Uncertain significance. Last evaluated: 2025-11-03. Review status: criteria provided, single submitter. Criteria: Invitae Variant Classification Sherloc (09022015). Collection method: clinical testing. Allele origin: germline.
Comment: This sequence change replaces leucine, which is neutral and non-polar, with phenylalanine, which is neutral and non-polar, at codon 728 of the HYOU1 protein (p.Leu728Phe). This variant is not present in population databases (gnomAD no frequency). This variant has not been reported in the literature in individuals affected with HYOU1-related conditions. An algorithm developed to predict the effect of missense changes on protein structure and function outputs the following: PolyPhen-2: "Benign". The phenylalanine amino acid residue is found in multiple mammalian species, which suggests that this missense change does not adversely affect protein function. In summary, the available evidence is currently insufficient to determine the role of this variant in disease. Therefore, it has been classified as a Variant of Uncertain Significance.